The following is an entry in ClinVar:

ClinVar aggregate classification (germline): Pathogenic/Likely pathogenic. Review status: criteria provided, multiple submitters, no conflicts (2 of 4 stars). 3 submissions from 3 submitters: Pathogenic (1); Likely pathogenic (2). Last evaluated 2025-11-15.

Conditions:
DEAF1-related disorder.
Intellectual disability, autosomal dominant 24 (VSVS). Also called: VULTO-VAN SILFHOUT-DE VRIES SYNDROME. Identifiers: MedGen C4014414, MONDO:0014357, OMIM 615828.

Allele frequency attached by ClinVar (database versions not stated): gnomAD exomes below 0.00001.

Submissions (3):

Labcorp Genetics (formerly Invitae), Labcorp
Classification: Pathogenic. Last evaluated: 2025-11-15. Review status: criteria provided, single submitter. Criteria: Invitae Variant Classification Sherloc (09022015). Collection method: clinical testing. Allele origin: germline.
Comment: This sequence change creates a premature translational stop signal (p.Leu309Argfs*6) in the DEAF1 gene. It is expected to result in an absent or disrupted protein product. Loss-of-function variants in DEAF1 are known to be pathogenic (PMID: 30923367). This variant is present in population databases (no rsID available, gnomAD 0.003%). This variant has not been reported in the literature in individuals affected with DEAF1-related conditions. ClinVar contains an entry for this variant (Variation ID: 1677014). Algorithms developed to predict the effect of sequence changes on RNA splicing suggest that this variant may disrupt the consensus splice site. For these reasons, this variant has been classified as Pathogenic.

PreventionGenetics, part of Exact Sciences
Classification: Likely pathogenic for DEAF1-related condition. Last evaluated: 2023-03-23. Review status: criteria provided, single submitter. Criteria: ACMG Guidelines, 2015. Collection method: clinical testing. Allele origin: germline.
Comment: The DEAF1 c.926delT variant is predicted to result in a frameshift and premature protein termination (p.Leu309Argfs*6). To our knowledge, this variant has not been reported in the literature. This variant is reported in 0.0029% of alleles in individuals of Latino descent in gnomAD. Frameshift variants in DEAF1 are expected to be pathogenic. This variant is interpreted as likely pathogenic.

Women's Health and Genetics/Laboratory Corporation of America, LabCorp
Classification: Likely pathogenic for Intellectual disability, autosomal dominant 24. Last evaluated: 2022-03-04. Review status: criteria provided, single submitter. Criteria: LabCorp Variant Classification Summary - May 2015. Collection method: clinical testing. Allele origin: germline.
Comment: Variant summary: DEAF1 c.926delT (p.Leu309ArgfsX6) results in a premature termination codon, predicted to cause a truncation of the encoded protein or absence of the protein due to nonsense mediated decay, which are commonly known mechanisms for disease. The variant allele was found at a frequency of 4e-06 in 251490 control chromosomes (gnomAD). To our knowledge, no occurrence of c.926delT in individuals affected with Mental Retardation, Autosomal Dominant 24 and no experimental evidence demonstrating its impact on protein function have been reported. No clinical diagnostic laboratories have submitted clinical-significance assessments for this variant to ClinVar after 2014. Based on the evidence outlined above, the variant was classified as likely pathogenic.

Literature cited by the submitters: PubMed 30923367 (cited by Labcorp Genetics (formerly Invitae), Labcorp).

NM_021008.4(DEAF1):c.926del (p.Leu309fs)

Gene: DEAF1 (DEAF1 transcription factor; minus strand). Cytogenetic location: 11p15.5.
Variant type: Deletion.
Coding change: c.926del on transcript NM_021008.4 (MANE Select); coding-DNA position 926, one base deleted (T; older notation c.926delT).
Protein change: p.Leu309fs; shifts the reading frame from leucine 309.
Molecular consequence: frameshift variant. On other transcripts: intron variant (1).
Genome position (GRCh38, 1-based): chr11:681,034, A deleted on the plus strand (T on the coding strand, the reverse complement: DEAF1 is on the minus strand). VCF-style (leftmost placement, unchanged base first): chr11-681033-CA-C. GRCh37 (hg19) VCF-style: chr11-681033-CA-C.
Other names: c.200del, p.Leu67fs (NM_001367390.1, NM_001440885.1, NM_001440886.1 and 1 more transcripts); c.926del, p.Leu309fs (NM_001440883.1, NM_001440884.1); c.731-1218del (NM_001293634.2); short protein forms L309fs, L67fs.
Identifiers: ClinVar variation 1677014 (VCV001677014.7), dbSNP rs1417226023, ClinGen allele CA596795753.